The following is an entry in ClinVar:

ClinVar aggregate classification (germline): Uncertain significance (1 of 4 stars; one submission).

Submission:

GeneDx
Classification: Uncertain significance. Last evaluated: 2023-11-30. Review status: criteria provided, single submitter. Criteria: GeneDx Variant Classification Process June 2021. Collection method: clinical testing. Allele origin: germline. Affected: yes.
Comment: Not observed at significant frequency in large population cohorts (gnomAD); In silico analysis supports that this missense variant has a deleterious effect on protein structure/function; Has not been previously published as pathogenic or benign to our knowledge

NM_181332.3(NLGN4X):c.724G>A (p.Gly242Ser)

Gene: NLGN4X (neuroligin 4 X-linked; minus strand). Cytogenetic location: Xp22.32.
Variant type: single nucleotide variant.
Coding change: c.724G>A on transcript NM_181332.3 (MANE Select); coding-DNA position 724, G replaced by A.
Protein change: p.Gly242Ser; replaces glycine 242 with serine.
Molecular consequence: missense variant.
Genome position (GRCh38, 1-based): chrX:5,909,141, C>T on the plus strand (G>A on the coding strand, the complement: NLGN4X is on the minus strand). VCF-style: chrX-5909141-C-T. GRCh37 (hg19) VCF-style: chrX-5827182-C-T.
Other names: c.724G>A, p.Gly242Ser (NM_001282145.2, NM_001282146.2, NM_020742.4); short protein forms G242S.
Identifiers: ClinVar variation 3365025 (VCV003365025.1).